The following is an entry in ClinVar:

NM_033026.6(PCLO):c.6554C>T (p.Thr2185Ile)

Gene: PCLO (piccolo presynaptic cytomatrix protein; minus strand). Cytogenetic location: 7q21.11.
Variant type: single nucleotide variant.
Coding change: c.6554C>T on transcript NM_033026.6 (MANE Select); coding-DNA position 6554, C replaced by T.
Protein change: p.Thr2185Ile; replaces threonine 2185 with isoleucine.
Molecular consequence: missense variant.
Genome position (GRCh38, 1-based): chr7:82,954,399, G>A on the plus strand (C>T on the coding strand, the complement: PCLO is on the minus strand). VCF-style: chr7-82954399-G-A. GRCh37 (hg19) VCF-style: chr7-82583715-G-A.
Other names: c.6554C>T, p.Thr2185Ile (NM_014510.3); short protein forms T2185I.
Identifiers: ClinVar variation 2695310 (VCV002695310.3), dbSNP rs2535701845, ClinGen allele CA367919042.

ClinVar aggregate classification (germline): Uncertain significance (1 of 4 stars; one submission).

Submission:

Labcorp Genetics (formerly Invitae), Labcorp
Classification: Uncertain significance. Last evaluated: 2023-11-20. Review status: criteria provided, single submitter. Criteria: Invitae Variant Classification Sherloc (09022015). Collection method: clinical testing. Allele origin: germline.
Comment: This sequence change replaces threonine, which is neutral and polar, with isoleucine, which is neutral and non-polar, at codon 2185 of the PCLO protein (p.Thr2185Ile). This variant is not present in population databases (gnomAD no frequency). This variant has not been reported in the literature in individuals affected with PCLO-related conditions. Experimental studies and prediction algorithms are not available or were not evaluated, and the functional significance of this variant is currently unknown. In summary, the available evidence is currently insufficient to determine the role of this variant in disease. Therefore, it has been classified as a Variant of Uncertain Significance.